The following is an entry in ClinVar:

NM_001135556.2(DYNC1I1):c.1346C>T (p.Thr449Met)

Gene: DYNC1I1 (dynein cytoplasmic 1 intermediate chain 1; plus strand). Cytogenetic location: 7q21.3.
Variant type: single nucleotide variant.
Coding change: c.1346C>T on transcript NM_001135556.2 (MANE Select); coding-DNA position 1346, C replaced by T.
Protein change: p.Thr449Met; replaces threonine 449 with methionine.
Molecular consequence: missense variant.
Genome position (GRCh38, 1-based): chr7:96,035,734, C>T. VCF-style: chr7-96035734-C-T. GRCh37 (hg19) VCF-style: chr7-95665046-C-T.
Other names: c.1397C>T (NM_004411.4); c.1286C>T, p.Thr429Met (NM_001135557.2, NM_001278422.2); c.1337C>T, p.Thr446Met (NM_001278421.2); c.1397C>T, p.Thr466Met (NM_004411.5); short protein forms T429M, T449M, T446M, T466M.
Identifiers: ClinVar variation 2190209 (VCV002190209.6), dbSNP rs551953723, ClinGen allele CA4352502.
Genomic context (GRCh38, chr7:96,035,734, plus strand): 5'-CTTTCCCAACGGGAGACGTCAATAACTTCGTGGTTGGCAGTGAGGAAGGTACAGTCTACA[C>T]GGCTTGTCGTCATGGAAGGTGATTTTTCTGTTTCTTTACTGATGACATGTTCTTCATTTC-3'
Protein context (NP_001129028.1, residues 439-459): VVGSEEGTVY[Thr449Met]ACRHGSKAGI

ClinVar aggregate classification (germline): Uncertain significance. Review status: criteria provided, multiple submitters, no conflicts (2 of 4 stars). 2 submissions from 2 submitters: Uncertain significance (2). Last evaluated 2024-03-24.

Allele frequency attached by ClinVar (database versions not stated): gnomAD exomes 0.00002; gnomAD 0.00005; TOPMed 0.00006; ExAC 0.00007; 1000 Genomes Project 30x 0.00016; 1000 Genomes Project 0.00020.
gnomAD v4.1: 35 of 1,609,926 alleles (0.0022%); highest among the groups gnomAD compares: South Asian, 0.019%; no homozygotes.

Submissions (2):

Labcorp Genetics (formerly Invitae), Labcorp
Classification: Uncertain significance. Last evaluated: 2024-03-24. Review status: criteria provided, single submitter. Criteria: Invitae Variant Classification Sherloc (09022015). Collection method: clinical testing. Allele origin: germline.
Comment: This sequence change replaces threonine, which is neutral and polar, with methionine, which is neutral and non-polar, at codon 466 of the DYNC1I1 protein (p.Thr466Met). This variant is present in population databases (rs551953723, gnomAD 0.03%). This variant has not been reported in the literature in individuals affected with DYNC1I1-related conditions. ClinVar contains an entry for this variant (Variation ID: 2190209). An algorithm developed to predict the effect of missense changes on protein structure and function (PolyPhen-2) suggests that this variant is likely to be disruptive. In summary, the available evidence is currently insufficient to determine the role of this variant in disease. Therefore, it has been classified as a Variant of Uncertain Significance.

Ambry Genetics
Classification: Uncertain significance. Last evaluated: 2023-07-12. Review status: criteria provided, single submitter. Criteria: Ambry Variant Classification Scheme 2023. Collection method: clinical testing. Allele origin: germline.